The following is an entry in ClinVar:

ClinVar aggregate classification (germline): Likely pathogenic (1 of 4 stars; one submission).

Submission:

Labcorp Genetics (formerly Invitae), Labcorp
Classification: Likely pathogenic. Last evaluated: 2023-10-12. Review status: criteria provided, single submitter. Criteria: Invitae Variant Classification Sherloc (09022015). Collection method: clinical testing. Allele origin: germline.
Comment: This sequence change affects an acceptor splice site in intron 3 of the ALPK3 gene. It is expected to disrupt RNA splicing. Variants that disrupt the donor or acceptor splice site typically lead to a loss of protein function (PMID: 16199547), and loss-of-function variants in ALPK3 are known to be pathogenic (PMID: 21441111, 26846950, 27106955, 34263907). This variant is not present in population databases (gnomAD no frequency). This variant has not been reported in the literature in individuals affected with ALPK3-related conditions. Algorithms developed to predict the effect of sequence changes on RNA splicing suggest that this variant may disrupt the consensus splice site. In summary, the currently available evidence indicates that the variant is pathogenic, but additional data are needed to prove that conclusively. Therefore, this variant has been classified as Likely Pathogenic.

Literature cited by the submitters: PubMed 16199547; PubMed 21441111; PubMed 26846950; PubMed 27106955; PubMed 34263907.

NM_020778.5(ALPK3):c.305-1G>A

Gene: ALPK3 (alpha kinase 3; plus strand). Cytogenetic location: 15q25.3.
Variant type: single nucleotide variant.
Coding change: c.305-1G>A on transcript NM_020778.5 (MANE Select); the canonical splice acceptor site of the intron before coding-DNA position 305, G replaced by A.
Molecular consequence: splice acceptor variant.
Genome position (GRCh38, 1-based): chr15:84,838,979, G>A. VCF-style: chr15-84838979-G-A. GRCh37 (hg19) VCF-style: chr15-85382210-G-A.
Identifiers: ClinVar variation 2761106 (VCV002761106.3), dbSNP rs2505703836, ClinGen allele CA393371774.